The following is an entry in ClinVar:

ClinVar aggregate classification (germline): Uncertain significance. Review status: criteria provided, multiple submitters, no conflicts (2 of 4 stars). 2 submissions from 2 submitters: Uncertain significance (2). Last evaluated 2023-02-14.

Conditions:
Birt-Hogg-Dube syndrome. Also called: Birt Hogg Dubé syndrome. Identifiers: Orphanet 122, MedGen C0346010, MONDO:0800444.
Hereditary cancer-predisposing syndrome. Also called: Tumor predisposition; Neoplastic Syndromes, Hereditary; Hereditary Cancer Syndrome; Hereditary neoplastic syndrome. Identifiers: Orphanet 140162, MedGen C0027672, MeSH D009386, MONDO:0015356.

Submissions (2):

Labcorp Genetics (formerly Invitae), Labcorp
Classification: Uncertain significance for Birt-Hogg-Dube syndrome. Last evaluated: 2023-02-14. Review status: criteria provided, single submitter. Criteria: Invitae Variant Classification Sherloc (09022015). Collection method: clinical testing. Allele origin: germline.
Comment: In summary, the available evidence is currently insufficient to determine the role of this variant in disease. Therefore, it has been classified as a Variant of Uncertain Significance. Advanced modeling of protein sequence and biophysical properties (such as structural, functional, and spatial information, amino acid conservation, physicochemical variation, residue mobility, and thermodynamic stability) performed at Invitae indicates that this missense variant is not expected to disrupt FLCN protein function. ClinVar contains an entry for this variant (Variation ID: 1774345). This variant has not been reported in the literature in individuals affected with FLCN-related conditions. This variant is not present in population databases (gnomAD no frequency). This sequence change replaces cysteine, which is neutral and slightly polar, with serine, which is neutral and polar, at codon 506 of the FLCN protein (p.Cys506Ser).

Ambry Genetics
Classification: Uncertain significance for Hereditary cancer-predisposing syndrome. Last evaluated: 2022-02-26. Review status: criteria provided, single submitter. Criteria: Ambry Variant Classification Scheme 2023. Collection method: clinical testing. Allele origin: germline.
Comment: The p.C506S variant (also known as c.1517G>C), located in coding exon 10 of the FLCN gene, results from a G to C substitution at nucleotide position 1517. The cysteine at codon 506 is replaced by serine, an amino acid with dissimilar properties. This amino acid position is conserved. In addition, this alteration is predicted to be deleterious by in silico analysis. Since supporting evidence is limited at this time, the clinical significance of this alteration remains unclear.

NM_144997.7(FLCN):c.1517G>C (p.Cys506Ser)

Gene: FLCN (folliculin; minus strand). Cytogenetic location: 17p11.2.
Variant type: single nucleotide variant.
Coding change: c.1517G>C on transcript NM_144997.7 (MANE Select); coding-DNA position 1517, G replaced by C.
Protein change: p.Cys506Ser; replaces cysteine 506 with serine.
Molecular consequence: missense variant.
Genome position (GRCh38, 1-based): chr17:17,215,006, C>G on the plus strand (G>C on the coding strand, the complement: FLCN is on the minus strand). VCF-style: chr17-17215006-C-G. GRCh37 (hg19) VCF-style: chr17-17118320-C-G.
Other names: c.1571G>C, p.Cys524Ser (NM_001353229.2); c.1517G>C, p.Cys506Ser (NM_001353230.2, NM_001353231.2); short protein forms C506S, C524S.
Identifiers: ClinVar variation 1774345 (VCV001774345.5), dbSNP rs2544140906, ClinGen allele CA398530753.